The following is an entry in ClinVar:

NM_152393.4(KLHL40):c.208G>A (p.Gly70Ser)

Gene: KLHL40 (kelch like family member 40; plus strand). Cytogenetic location: 3p22.1.
Variant type: single nucleotide variant.
Coding change: c.208G>A on transcript NM_152393.4 (MANE Select); coding-DNA position 208, G replaced by A.
Protein change: p.Gly70Ser; replaces glycine 70 with serine.
Molecular consequence: missense variant.
Genome position (GRCh38, 1-based): chr3:42,685,826, G>A. VCF-style: chr3-42685826-G-A. GRCh37 (hg19) VCF-style: chr3-42727318-G-A.
Other names: p.Gly70Ser; short protein forms G70S.
Identifiers: ClinVar variation 3379452 (VCV003379452.1).

ClinVar aggregate classification (germline): Uncertain significance (1 of 4 stars; one submission).

gnomAD v4.1: 1 of 1,613,094 alleles (0.000062%); highest among the groups gnomAD compares: Non-Finnish European, 0.000085%; no homozygotes.

Submission:

Mayo Clinic Laboratories, Mayo Clinic
Classification: Uncertain significance. Last evaluated: 2024-05-09. Review status: criteria provided, single submitter. Criteria: ACMG Guidelines, 2015. Collection method: clinical testing. Allele origin: germline. Observed: 1 variant allele.
Comment: BP4